The following is an entry in ClinVar:

NM_000043.6(FAS):c.548C>T (p.Pro183Leu)

Gene: FAS (Fas cell surface death receptor; plus strand). Cytogenetic location: 10q23.31.
Variant type: single nucleotide variant.
Coding change: c.548C>T on transcript NM_000043.6 (MANE Select); coding-DNA position 548, C replaced by T.
Protein change: p.Pro183Leu; replaces proline 183 with leucine.
Molecular consequence: missense variant. On other transcripts: non-coding transcript variant (5), intron variant (1).
Genome position (GRCh38, 1-based): chr10:89,010,795, C>T. VCF-style: chr10-89010795-C-T. GRCh37 (hg19) VCF-style: chr10-90770552-C-T.
Other names: c.548C>T, p.Pro183Leu (NM_001320619.2, NM_152872.4); c.593C>T, p.Pro198Leu (NM_001410956.1); c.505+195C>T (NM_152871.4); short protein forms P198L, P183L.
Identifiers: ClinVar variation 4705695 (VCV004705695.1).

ClinVar aggregate classification (germline): Uncertain significance (1 of 4 stars; one submission).

Conditions:
Autoimmune lymphoproliferative syndrome type 1. Also called: AUTOIMMUNE LYMPHOPROLIFERATIVE SYNDROME, TYPE I, AUTOSOMAL DOMINANT. Identifiers: Orphanet 3261, MedGen C2717884, MONDO:0011158, OMIM 601859.

gnomAD v4.1: 10 of 1,613,912 alleles (0.00062%); highest among the groups gnomAD compares: Non-Finnish European, 0.00085%; no homozygotes.

Submission:

Labcorp Genetics (formerly Invitae), Labcorp
Classification: Uncertain significance for Autoimmune lymphoproliferative syndrome. Last evaluated: 2025-11-29. Review status: criteria provided, single submitter. Criteria: Invitae Variant Classification Sherloc (09022015). Collection method: clinical testing. Allele origin: germline.
Comment: This sequence change replaces proline, which is neutral and non-polar, with leucine, which is neutral and non-polar, at codon 183 of the FAS protein (p.Pro183Leu). This variant is present in population databases (rs758835365, gnomAD 0.002%). This variant has not been reported in the literature in individuals affected with FAS-related conditions. Invitae Evidence Modeling of protein sequence and biophysical properties (such as structural, functional, and spatial information, amino acid conservation, physicochemical variation, residue mobility, and thermodynamic stability) indicates that this missense variant is not expected to disrupt FAS protein function with a negative predictive value of 80%. In summary, the available evidence is currently insufficient to determine the role of this variant in disease. Therefore, it has been classified as a Variant of Uncertain Significance.